The following is an entry in ClinVar:

ClinVar aggregate classification (germline): Benign/Likely benign. Review status: criteria provided, multiple submitters, no conflicts (2 of 4 stars). 4 submissions from 4 submitters: Benign (1); Likely benign (2). 1 of the submissions does not count toward it. Last evaluated 2026-01-28.

Conditions:
Kabuki syndrome. Also called: NIIKAWA-KUROKI SYNDROME; Kabuki make-up syndrome. Identifiers: Orphanet 2322, MedGen C0796004, MONDO:0016512.
KMT2D-related disorder. Also called: KMT2D-Related Disorders.

Allele frequency attached by ClinVar (database versions not stated): TOPMed 0.00003; 1000 Genomes Project 0.00040; 1000 Genomes Project 30x 0.00047.
gnomAD v4.1: 123 of 1,515,516 alleles (0.0081%); highest among the groups gnomAD compares: South Asian, 0.15%; 2 homozygotes.

Submissions (4):

Labcorp Genetics (formerly Invitae), Labcorp
Classification: Likely benign for Kabuki syndrome. Last evaluated: 2026-01-28. Review status: criteria provided, single submitter. Criteria: Invitae Variant Classification Sherloc (09022015). Collection method: clinical testing. Allele origin: germline.

Blueprint Genetics
Classification: Likely benign. Last evaluated: 2022-08-22. Review status: criteria provided, single submitter. Criteria: ACMG Guidelines, 2015. Collection method: clinical testing. Allele origin: germline.

GeneDx
Classification: Benign. Last evaluated: 2020-04-10. Review status: criteria provided, single submitter. Criteria: GeneDx Variant Classification Process June 2021. Collection method: clinical testing. Allele origin: germline. Affected: yes.
Comment: This variant is associated with the following publications: (PMID: 30459467)

PreventionGenetics, part of Exact Sciences
Classification: Likely benign for KMT2D-related condition. Last evaluated: 2024-07-18. Review status: no assertion criteria provided. Collection method: clinical testing. Allele origin: germline. Not counted in ClinVar's aggregate classification.
Comment: This variant is classified as likely benign based on ACMG/AMP sequence variant interpretation guidelines (Richards et al. 2015 PMID: 25741868, with internal and published modifications).

NM_003482.4(KMT2D):c.2477C>A (p.Pro826His)

Gene: KMT2D (lysine methyltransferase 2D; minus strand). Cytogenetic location: 12q13.12.
Variant type: single nucleotide variant.
Coding change: c.2477C>A on transcript NM_003482.4 (MANE Select); coding-DNA position 2477, C replaced by A.
Protein change: p.Pro826His; replaces proline 826 with histidine.
Molecular consequence: missense variant.
Genome position (GRCh38, 1-based): chr12:49,051,206, G>T on the plus strand (C>A on the coding strand, the complement: KMT2D is on the minus strand). VCF-style: chr12-49051206-G-T. GRCh37 (hg19) VCF-style: chr12-49444989-G-T.
Other names: short protein forms P826H.
Identifiers: ClinVar variation 764384 (VCV000764384.13), dbSNP rs542972001, ClinGen allele CA6548252.